The following is an entry in ClinVar:

ClinVar aggregate classification (germline): Likely benign (1 of 4 stars; one submission).

gnomAD v4.1: 2 of 1,598,306 alleles (0.00013%); highest among the groups gnomAD compares: Non-Finnish European, 0.000085%; no homozygotes.

Submission:

CeGaT Center for Human Genetics Tuebingen
Classification: Likely benign. Last evaluated: 2024-04-01. Review status: criteria provided, single submitter. Criteria: CeGaT Center For Human Genetics Tuebingen Variant Classification Criteria Version 2. Collection method: clinical testing. Allele origin: germline. Affected: yes. Observed: 1 variant allele.
Comment: PDE4D: BP4

NM_001104631.2(PDE4D):c.455+124862C>G

Genes: PDE4D (phosphodiesterase 4D; minus strand), LOC126807405 (BRD4-independent group 4 enhancer GRCh37_chr5:59063568-59064767; plus strand). Cytogenetic location: 5q12.1.
Variant type: single nucleotide variant.
Coding change: c.455+124862C>G on transcript NM_001104631.2 (MANE Select); 124862 bases into the intron after coding-DNA position 455, C replaced by G.
Molecular consequence: intron variant. On other transcripts: synonymous variant (3), 5 prime UTR variant (1).
Genome position (GRCh38, 1-based): chr5:59,768,306, G>C on the plus strand (C>G on the coding strand, the complement: PDE4D is on the minus strand). VCF-style: chr5-59768306-G-C. GRCh37 (hg19) VCF-style: chr5-59064132-G-C.
Other names: c.272+220182C>G (NM_001165899.2, NM_001364600.2, NM_001364599.1); c.-240+220182C>G (NM_001349243.2); c.242+220182C>G (NM_001349241.2); c.204C>G, p.Arg68= (NM_001197218.2, NM_001364601.1, NM_001364602.2); c.-555C>G (NM_001364603.1).
Identifiers: ClinVar variation 3234442 (VCV003234442.20), dbSNP rs374014290, ClinGen allele CA3276602.